The following is an entry in ClinVar:

NM_000143.4(FH):c.1084G>C (p.Glu362Gln)

Gene: FH (fumarate hydratase; minus strand). Cytogenetic location: 1q43.
Variant type: single nucleotide variant.
Coding change: c.1084G>C on transcript NM_000143.4 (MANE Select); coding-DNA position 1084, G replaced by C.
Protein change: p.Glu362Gln; replaces glutamic acid 362 with glutamine.
Molecular consequence: missense variant.
Genome position (GRCh38, 1-based): chr1:241,504,066, C>G on the plus strand (G>C on the coding strand, the complement: FH is on the minus strand). VCF-style: chr1-241504066-C-G. GRCh37 (hg19) VCF-style: chr1-241667366-C-G.
Other names: E319Q; short protein forms E362Q.
Identifiers: ClinVar variation 16231 (VCV000016231.4), dbSNP rs121913119, ClinGen allele CA257453.

ClinVar aggregate classification (germline): Likely pathogenic. Review status: criteria provided, single submitter (1 of 4 stars). 2 submissions from 2 submitters: Likely pathogenic (1). 1 of the submissions does not count toward it. Last evaluated 2018-05-01.

Conditions:
Hereditary cancer-predisposing syndrome. Also called: Hereditary neoplastic syndrome; Neoplastic Syndromes, Hereditary; Tumor predisposition; Hereditary Cancer Syndrome. Identifiers: Orphanet 140162, MedGen C0027672, MeSH D009386, MONDO:0015356.
Fumarase deficiency (FMRD). Also called: Fumaric aciduria; Fumarate Hydratase Deficiency. Identifiers: Orphanet 24, MedGen C0342770, MONDO:0011730, OMIM 606812.

Submissions (2):

Ambry Genetics
Classification: Likely pathogenic for Hereditary cancer-predisposing syndrome. Last evaluated: 2018-05-01. Review status: criteria provided, single submitter. Criteria: Ambry Variant Classification Scheme 2023. Collection method: clinical testing. Allele origin: germline.
Comment: The p.E362Q variant (also known as c.1084G>C), located in coding exon 7 of the FH gene, results from a G to C substitution at nucleotide position 1084. The glutamic acid at codon 362 is replaced by glutamine, an amino acid with highly similar properties. Two siblings who were both diagnosed with progressive encephalopathy, dystonia, leukopenia, and neutropenia were found to be homozygous for this variant. Of note, this variant was referred to as E319Q (c.955G>C) in this publication (Bourgeron T et al. J. Clin. Invest. 1994 Jun;93:2514-8). Functional studies performed in fibroblasts of an individual homozygous for the p.E362Q variant indicated an accumulation of fumarate in whole cell lysates showing an overall FH enzymatic deficiency (Raimundo N et al. Biochim. Biophys. Acta. 2008 May;1782:287-94). This amino acid position is highly conserved in available vertebrate species. In addition, this alteration is predicted to be deleterious by in silico analysis. Based on the majority of available evidence to date, this variant is likely to be pathogenic.

OMIM
Classification: Pathogenic for FUMARASE DEFICIENCY. Last evaluated: 1994-06-01. Review status: no assertion criteria provided. Collection method: literature only. Allele origin: germline. Not counted in ClinVar's aggregate classification.

Literature cited by the submitters: PubMed 18313410 (cited by Ambry Genetics); PubMed 21445611 (cited by Ambry Genetics); PubMed 8200987 (cited by Ambry Genetics and OMIM); Bourgeron, T., Chretien, D., Rotig, A., Munnich, A., Landrieu, P., Rustin, P. Molecular characterization of fumarase deficiency in two children with progressive encephalopathy. (Abstract) Am. J. Hum. Genet. 53 (suppl.): A891-only, 1993. (cited by OMIM).